The following is an entry in ClinVar:

NM_000152.5(GAA):c.395G>C (p.Ser132Thr)

Gene: GAA (alpha glucosidase; plus strand). Cytogenetic location: 17q25.3.
Variant type: single nucleotide variant.
Coding change: c.395G>C on transcript NM_000152.5 (MANE Select); coding-DNA position 395, G replaced by C.
Protein change: p.Ser132Thr; replaces serine 132 with threonine.
Molecular consequence: missense variant.
Genome position (GRCh38, 1-based): chr17:80,104,981, G>C. VCF-style: chr17-80104981-G-C. GRCh37 (hg19) VCF-style: chr17-78078780-G-C.
Other names: c.395G>C (LRG_673t1); c.395G>C, p.Ser132Thr (NM_001079803.3, NM_001079804.3); short protein forms S132T.
Identifiers: ClinVar variation 325777 (VCV000325777.15), dbSNP rs772908626, ClinGen allele CA8814864.

ClinVar aggregate classification (germline): Uncertain significance. Review status: criteria provided, multiple submitters, no conflicts (2 of 4 stars). 6 submissions from 6 submitters: Uncertain significance (5). 1 of the submissions does not count toward it. Last evaluated 2024-08-26.

Conditions:
Glycogen storage disease, type II (IOPD). Also called: CARDIOMEGALIA GLYCOGENICA DIFFUSA; GLYCOGENOSIS, GENERALIZED, CARDIAC FORM; GSD II; Glucosidase acid-1,4-alpha deficiency; Pompe Disease; Glycogen storage disease type 2. Identifiers: Orphanet 365, MedGen C0017921, MONDO:0009290, OMIM 232300.

Allele frequency attached by ClinVar (database versions not stated): gnomAD 0.00001; TOPMed 0.00001; ExAC 0.00002; gnomAD exomes 0.00002.
gnomAD v4.1: 31 of 1,612,646 alleles (0.0019%); highest among the groups gnomAD compares: Middle Eastern, 0.016%; no homozygotes.

Submissions (6):

Blueprint Genetics
Classification: Uncertain significance. Last evaluated: 2024-08-26. Review status: criteria provided, single submitter. Criteria: ACMG Guidelines, 2015. Collection method: clinical testing. Allele origin: germline.

Labcorp Genetics (formerly Invitae), Labcorp
Classification: Uncertain significance for Glycogen storage disease, type II. Last evaluated: 2022-10-25. Review status: criteria provided, single submitter. Criteria: Invitae Variant Classification Sherloc (09022015). Collection method: clinical testing. Allele origin: germline.
Comment: This sequence change replaces serine, which is neutral and polar, with threonine, which is neutral and polar, at codon 132 of the GAA protein (p.Ser132Thr). This variant is present in population databases (rs772908626, gnomAD 0.006%). This variant has not been reported in the literature in individuals affected with GAA-related conditions. ClinVar contains an entry for this variant (Variation ID: 325777). Advanced modeling of protein sequence and biophysical properties (such as structural, functional, and spatial information, amino acid conservation, physicochemical variation, residue mobility, and thermodynamic stability) performed at Invitae indicates that this missense variant is not expected to disrupt GAA protein function. In summary, the available evidence is currently insufficient to determine the role of this variant in disease. Therefore, it has been classified as a Variant of Uncertain Significance.

Genome-Nilou Lab
Classification: Uncertain significance for Glycogen storage disease, type II. Last evaluated: 2021-09-05. Review status: criteria provided, single submitter. Criteria: ACMG Guidelines, 2015. Collection method: clinical testing. Allele origin: germline. Affected: no.

Revvity Omics, Revvity
Classification: Uncertain significance. Last evaluated: 2019-05-01. Review status: criteria provided, single submitter. Criteria: ACMG Guidelines, 2015. Collection method: clinical testing. Allele origin: germline.

Illumina Laboratory Services, Illumina
Classification: Uncertain significance for Glycogen storage disease, type II. Last evaluated: 2018-01-13. Review status: criteria provided, single submitter. Criteria: ICSL Variant Classification Criteria 13 December 2019. Collection method: clinical testing. Allele origin: germline.

Natera, Inc.
Classification: Uncertain significance for Glycogen storage disease type II. Last evaluated: 2020-07-08. Review status: no assertion criteria provided. Collection method: clinical testing. Allele origin: germline. Not counted in ClinVar's aggregate classification.